The following is an entry in ClinVar:

ClinVar aggregate classification (germline): Pathogenic (1 of 4 stars; one submission).

Allele frequency attached by ClinVar (database versions not stated): gnomAD exomes below 0.00001 and 0.00001; TOPMed below 0.00001; gnomAD 0.00001.

Submission:

Labcorp Genetics (formerly Invitae), Labcorp
Classification: Pathogenic. Last evaluated: 2021-08-11. Review status: criteria provided, single submitter. Criteria: Invitae Variant Classification Sherloc (09022015). Collection method: clinical testing. Allele origin: germline.
Comment: This variant has not been reported in the literature in individuals with PDZD7-related conditions. Loss-of-function variants in PDZD7 are known to be pathogenic (PMID: 20440071). For these reasons, this variant has been classified as Pathogenic. This sequence change creates a premature translational stop signal (p.Trp383Leufs*27) in the PDZD7 gene. It is expected to result in an absent or disrupted protein product. This variant is not present in population databases (ExAC no frequency).

Literature cited by the submitters: PubMed 20440071.

NM_001195263.2(PDZD7):c.1147dup (p.Trp383fs)

Gene: PDZD7 (PDZ domain containing 7; minus strand). Cytogenetic location: 10q24.31.
Variant type: Duplication.
Coding change: c.1147dup on transcript NM_001195263.2 (MANE Select); coding-DNA position 1147, one base duplicated (T; older notation c.1147dupT).
Protein change: p.Trp383fs; shifts the reading frame from tryptophan 383.
Molecular consequence: frameshift variant.
Genome position (GRCh38, 1-based): chr10:101,018,999, A duplicated on the plus strand (T on the coding strand, the reverse complement: PDZD7 is on the minus strand). VCF-style (leftmost placement, unchanged base first): chr10-101018998-C-CA. GRCh37 (hg19) VCF-style: chr10-102778755-C-CA.
Other names: c.1147dup, p.Trp383fs (NM_001351044.2, NM_024895.5); short protein forms W383fs.
Identifiers: ClinVar variation 1072885 (VCV001072885.7), dbSNP rs1482655499, ClinGen allele CA595644063.